The following is an entry in ClinVar:

ClinVar aggregate classification (germline): Uncertain significance. Review status: criteria provided, multiple submitters, no conflicts (2 of 4 stars). 2 submissions from 2 submitters: Uncertain significance (2). Last evaluated 2025-04-16.

Conditions:
Hereditary cancer-predisposing syndrome. Also called: Neoplastic Syndromes, Hereditary; Hereditary Cancer Syndrome; Tumor predisposition; Hereditary neoplastic syndrome. Identifiers: Orphanet 140162, MedGen C0027672, MeSH D009386, MONDO:0015356.

gnomAD v4.1: 3 of 1,589,082 alleles (0.00019%); highest among the groups gnomAD compares: Middle Eastern, 0.017%; no homozygotes.

Submissions (2):

Ambry Genetics
Classification: Uncertain significance for Hereditary cancer-predisposing syndrome. Last evaluated: 2025-04-16. Review status: criteria provided, single submitter. Criteria: Ambry Variant Classification Scheme 2023. Collection method: clinical testing. Allele origin: germline.
Comment: The p.C763Y variant (also known as c.2288G>A), located in coding exon 16 of the MSH3 gene, results from a G to A substitution at nucleotide position 2288. The cysteine at codon 763 is replaced by tyrosine, an amino acid with highly dissimilar properties. This amino acid position is not well conserved in available vertebrate species. In addition, this alteration is predicted to be tolerated by in silico analysis. Based on the available evidence, the clinical significance of this variant remains unclear.

Labcorp Genetics (formerly Invitae), Labcorp
Classification: Uncertain significance. Last evaluated: 2024-02-24. Review status: criteria provided, single submitter. Criteria: Invitae Variant Classification Sherloc (09022015). Collection method: clinical testing. Allele origin: germline.
Comment: This sequence change replaces cysteine, which is neutral and slightly polar, with tyrosine, which is neutral and polar, at codon 763 of the MSH3 protein (p.Cys763Tyr). This variant is not present in population databases (gnomAD no frequency). This variant has not been reported in the literature in individuals affected with MSH3-related conditions. ClinVar contains an entry for this variant (Variation ID: 853745). An algorithm developed to predict the effect of missense changes on protein structure and function (PolyPhen-2) suggests that this variant is likely to be disruptive. In summary, the available evidence is currently insufficient to determine the role of this variant in disease. Therefore, it has been classified as a Variant of Uncertain Significance.

NM_002439.5(MSH3):c.2288G>A (p.Cys763Tyr)

Gene: MSH3 (mutS homolog 3; plus strand). Cytogenetic location: 5q14.1.
Variant type: single nucleotide variant.
Coding change: c.2288G>A on transcript NM_002439.5 (MANE Select); coding-DNA position 2288, G replaced by A.
Protein change: p.Cys763Tyr; replaces cysteine 763 with tyrosine.
Molecular consequence: missense variant.
Genome position (GRCh38, 1-based): chr5:80,775,728, G>A. VCF-style: chr5-80775728-G-A. GRCh37 (hg19) VCF-style: chr5-80071547-G-A.
Other names: short protein forms C763Y.
Identifiers: ClinVar variation 853745 (VCV000853745.13), dbSNP rs373251342, ClinGen allele CA3328189.